The following is an entry in ClinVar:

NM_032444.4(SLX4):c.5501A>G (p.Asn1834Ser)

Gene: SLX4 (SLX4 structure-specific endonuclease subunit; minus strand). Cytogenetic location: 16p13.3.
Variant type: single nucleotide variant.
Coding change: c.5501A>G on transcript NM_032444.4 (MANE Select); coding-DNA position 5501, A replaced by G.
Protein change: p.Asn1834Ser; replaces asparagine 1834 with serine.
Molecular consequence: missense variant.
Genome position (GRCh38, 1-based): chr16:3,582,346, T>C on the plus strand (A>G on the coding strand, the complement: SLX4 is on the minus strand). VCF-style: chr16-3582346-T-C. GRCh37 (hg19) VCF-style: chr16-3632347-T-C.
Other names: c.5501A>G (LRG_503t1, NM_032444.3); short protein forms N1834S.
Identifiers: ClinVar variation 241697 (VCV000241697.63), dbSNP rs111738042, ClinGen allele CA7865286.

ClinVar aggregate classification (germline): Conflicting classifications of pathogenicity. Review status: criteria provided, conflicting classifications (1 of 4 stars). 17 submissions from 17 submitters: Uncertain significance (2); Benign (4); Likely benign (10). 1 of the submissions does not count toward it. Last evaluated 2026-09-01.

Conditions:
Fanconi anemia (FA). Also called: Fanconi's anemia. Identifiers: Orphanet 84, MedGen C0015625, MeSH D005199, MONDO:0019391.
Fanconi anemia complementation group P. Also called: SLX4-Related Fanconi Anemia. Identifiers: Orphanet 84, MedGen C3469542, MONDO:0013499, OMIM 613951.
Intellectual disability. Also called: intellectual disabilities; Intellectual functioning disability; Intellectual developmental disorder. Identifiers: MedGen C3714756, MeSH D008607, MONDO:0001071, HP:0001249.

Allele frequency attached by ClinVar (database versions not stated): 1000 Genomes Project 0.00200; 1000 Genomes Project 30x 0.00234; TOPMed 0.00547; ExAC 0.00554; gnomAD exomes 0.00558 and 0.00780; gnomAD 0.00561 and 0.00575; ESP Exome Variant Server 0.00585.

Submissions (17):

CeGaT Center for Human Genetics Tuebingen
Classification: Likely benign. Last evaluated: 2026-09-01. Review status: criteria provided, single submitter. Criteria: CeGaT Center For Human Genetics Tuebingen Variant Classification Criteria Version 2. Collection method: clinical testing. Allele origin: germline. Affected: yes. Observed: 86 variant alleles.
Comment: SLX4: BP4, BS2

Labcorp Genetics (formerly Invitae), Labcorp
Classification: Benign for Fanconi anemia. Last evaluated: 2026-02-02. Review status: criteria provided, single submitter. Criteria: Invitae Variant Classification Sherloc (09022015). Collection method: clinical testing. Allele origin: germline.

Dasa
Classification: Benign. Last evaluated: 2026-01-26. Review status: criteria provided, single submitter. Criteria: DASA Assertion Criteria. Collection method: clinical testing. Allele origin: germline.
Comment: NM_032444.4(SLX4):c.5501A>G (p.Asn1834Ser) is a missense variant that results in the substitution of asparagine with serine. Population frequency is inconsistent with a disease-causing role for this variant, observations in unaffected individuals support a benign interpretation, and the variant context is inconsistent with a known disease-causing mechanism. Computational prediction algorithms are consistent with a benign effect. Therefore, based on the currently available evidence, this variant is classified as benign.

Mayo Clinic Laboratories, Mayo Clinic
Classification: Likely benign. Last evaluated: 2025-07-29. Review status: criteria provided, single submitter. Criteria: ACMG Guidelines, 2015. Collection method: clinical testing. Allele origin: germline. Observed: 2 variant alleles.
Comment: BS1, BP4

Blueprint Genetics
Classification: Likely benign. Last evaluated: 2024-11-26. Review status: criteria provided, single submitter. Criteria: ACMG Guidelines, 2015. Collection method: clinical testing. Allele origin: germline.

ARUP Laboratories, Molecular Genetics and Genomics, ARUP Laboratories
Classification: Likely benign for Fanconi anemia complementation group P. Last evaluated: 2024-10-16. Review status: criteria provided, single submitter. Criteria: ARUP Molecular Germline Variant Investigation Process 2024. Collection method: clinical testing. Allele origin: germline.

KCCC/NGS Laboratory, Kuwait Cancer Control Center
Classification: Benign for Fanconi anemia complementation group P. Last evaluated: 2023-07-07. Review status: criteria provided, single submitter. Criteria: ACMG Guidelines, 2015. Collection method: clinical testing. Allele origin: germline. Affected: yes.

Institute for Clinical Genetics, University Hospital TU Dresden, University Hospital TU Dresden
Classification: Uncertain significance. Last evaluated: 2021-11-03. Review status: criteria provided, single submitter. Criteria: ACMG Guidelines, 2015. Collection method: clinical testing. Allele origin: germline.

GeneDx
Classification: Likely benign. Last evaluated: 2021-03-29. Review status: criteria provided, single submitter. Criteria: GeneDx Variant Classification Process June 2021. Collection method: clinical testing. Allele origin: germline. Affected: yes.
Comment: This variant is associated with the following publications: (PMID: 28051113, 28717660, 22401137, 28202063, 21805310)

Sema4
Classification: Likely benign for Fanconi anemia. Last evaluated: 2021-03-02. Review status: criteria provided, single submitter. Criteria: Sema4 Curation Guidelines. Collection method: curation. Allele origin: germline.

Cambridge Genomics Laboratory, East Genomic Laboratory Hub, NHS Genomic Medicine Service
Classification: Uncertain significance for Intellectual disability. Last evaluated: 2020-07-13. Review status: criteria provided, single submitter. Criteria: ACGS Best Practice Guidelines for Variant Classification in Rare Disease 2020. Collection method: clinical testing. Allele origin: germline. Affected: yes. Observed: 1 variant allele.

Illumina Laboratory Services, Illumina
Classification: Likely benign for Fanconi anemia complementation group P. Last evaluated: 2018-01-12. Review status: criteria provided, single submitter. Criteria: ICSL Variant Classification Criteria 13 December 2019. Collection method: clinical testing. Allele origin: germline.
Comment: This variant was observed in the ICSL laboratory as part of a predisposition screen in an ostensibly healthy population. It had not been previously curated by ICSL or reported in the Human Gene Mutation Database (HGMD: prior to June 1st, 2018), and was therefore a candidate for classification through an automated scoring system. Utilizing variant allele frequency, disease prevalence and penetrance estimates, and inheritance mode, an automated score was calculated to assess if this variant is too frequent to cause the disease. Based on the score and internal cut-off values, a variant classified as likely benign is not then subjected to further curation. The score for this variant resulted in a classification of likely benign for this disease.

Institute for Genomic Medicine (IGM) Clinical Laboratory, Nationwide Children's Hospital
Classification: Likely benign. Last evaluated: 2017-04-19. Review status: criteria provided, single submitter. Criteria: ACMG Guidelines, 2015. Collection method: clinical testing. Allele origin: germline.
Comment: BS1,BP4,BP6; This alteration has an allele frequency that is greater than expected for the associated disease, is predicted to be tolerated by multiple functional prediction tools, and was reported as a benign/likely benign alteration by a reputable source (ClinVar or other correspondence from a clinical testing laboratory).

Genetic Services Laboratory, University of Chicago
Classification: Benign. Last evaluated: 2016-11-14. Review status: criteria provided, single submitter. Criteria: ACMG Guidelines, 2015. Collection method: clinical testing. Allele origin: germline. Affected: no.

Center for Pediatric Genomic Medicine, Children's Mercy Hospital and Clinics
Classification: Likely benign. Last evaluated: 2016-07-21. Review status: criteria provided, single submitter. Criteria: ACMG Guidelines, 2015. Collection method: clinical testing. Allele origin: germline.
ClinVar note: Converted during submission from Likely Benign to Likely benign.

PreventionGenetics, part of Exact Sciences
Classification: Likely benign. Review status: criteria provided, single submitter. Criteria: ACMG Guidelines, 2015. Collection method: clinical testing. Allele origin: germline.

Leiden Open Variation Database
Classification: Likely benign. Last evaluated: 2012-08-31. Review status: no assertion criteria provided. Collection method: curation. Allele origin: germline. Affected: yes. Not counted in ClinVar's aggregate classification.
Comment: Curator: Arleen D. Auerbach. Submitter to LOVD: Janine Bakker.

Literature cited by the submitters: PubMed 22911665 (cited by Leiden Open Variation Database).